The following is an entry in ClinVar:

ClinVar aggregate classification (germline): Uncertain significance (1 of 4 stars; one submission).

Conditions:
Amyotrophic lateral sclerosis type 1 (ALS1). Also called: AMYOTROPHIC LATERAL SCLEROSIS 1, FAMILIAL. Identifiers: Orphanet 803, MedGen C1862939, MONDO:0007103, OMIM 105400.
Neuronopathy, distal hereditary motor, type 7B. Also called: NEURONOPATHY, DISTAL HEREDITARY MOTOR, AUTOSOMAL DOMINANT 14; NEURONOPATHY, DISTAL HEREDITARY MOTOR, HARDING TYPE VIIB; NEUROPATHY, DISTAL HEREDITARY MOTOR, HARDING TYPE VIIB; NEUROPATHY, DISTAL HEREDITARY MOTOR, WITH VOCAL CORD PARALYSIS, HARDING TYPE VIIB; Distal Hereditary Motor Neuronopathy Type 7B (dHMN7B); HMN VIIB. Identifiers: Orphanet 139589, MedGen C1843315, MONDO:0011879, OMIM 607641.
Perry syndrome. Also called: PARKINSONISM WITH ALVEOLAR HYPOVENTILATION AND MENTAL DEPRESSION. Identifiers: Orphanet 178509, MedGen C1868594, MONDO:0008201, OMIM 168605.

Submission:

Labcorp Genetics (formerly Invitae), Labcorp
Classification: Uncertain significance for Amyotrophic lateral sclerosis type 1; Neuronopathy, distal hereditary motor, type 7B; Perry syndrome. Last evaluated: 2022-10-20. Review status: criteria provided, single submitter. Criteria: Invitae Variant Classification Sherloc (09022015). Collection method: clinical testing. Allele origin: germline.
Comment: In summary, the available evidence is currently insufficient to determine the role of this variant in disease. Therefore, it has been classified as a Variant of Uncertain Significance. Variants that disrupt the consensus splice site are a relatively common cause of aberrant splicing (PMID: 17576681, 9536098). Algorithms developed to predict the effect of sequence changes on RNA splicing suggest that this variant may create or strengthen a splice site. This variant has not been reported in the literature in individuals affected with DCTN1-related conditions. This variant is not present in population databases (gnomAD no frequency). This sequence change falls in intron 12 of the DCTN1 gene. It does not directly change the encoded amino acid sequence of the DCTN1 protein. It affects a nucleotide within the consensus splice site.

Literature cited by the submitters: PubMed 17576681; PubMed 9536098.

NM_004082.5(DCTN1):c.1287+5G>A

Gene: DCTN1 (dynactin subunit 1; minus strand). Cytogenetic location: 2p13.1.
Variant type: single nucleotide variant.
Coding change: c.1287+5G>A on transcript NM_004082.5 (MANE Select); 5 bases into the intron after coding-DNA position 1287, G replaced by A.
Molecular consequence: intron variant.
Genome position (GRCh38, 1-based): chr2:74,370,181, C>T on the plus strand (G>A on the coding strand, the complement: DCTN1 is on the minus strand). VCF-style: chr2-74370181-C-T. GRCh37 (hg19) VCF-style: chr2-74597308-C-T.
Other names: c.1176+5G>A (NM_001190836.2); c.1218+5G>A (NM_001378992.1); c.1236+5G>A (NM_001378991.1); c.1227+5G>A (NM_001135040.3); c.1266+5G>A (NM_001190837.2); c.885+5G>A (NM_001135041.3, NM_023019.4).
Identifiers: ClinVar variation 2031438 (VCV002031438.4), dbSNP rs2529155232, ClinGen allele CA2580068219.